The following is an entry in ClinVar:

NM_015272.5(RPGRIP1L):c.2719G>T (p.Ala907Ser)

Gene: RPGRIP1L (RPGRIP1 like; minus strand). Cytogenetic location: 16q12.2.
Variant type: single nucleotide variant.
Coding change: c.2719G>T on transcript NM_015272.5 (MANE Select); coding-DNA position 2719, G replaced by T.
Protein change: p.Ala907Ser; replaces alanine 907 with serine.
Molecular consequence: missense variant.
Genome position (GRCh38, 1-based): chr16:53,641,440, C>A on the plus strand (G>T on the coding strand, the complement: RPGRIP1L is on the minus strand). VCF-style: chr16-53641440-C-A. GRCh37 (hg19) VCF-style: chr16-53675352-C-A.
Other names: c.2719G>T, p.Ala907Ser (NM_001127897.4, NM_001308334.3, NM_001330538.2); short protein forms A907S.
Identifiers: ClinVar variation 948469 (VCV000948469.7), dbSNP rs1966216548, ClinGen allele CA395927432.

ClinVar aggregate classification (germline): Uncertain significance. Review status: criteria provided, multiple submitters, no conflicts (2 of 4 stars). 3 submissions from 3 submitters: Uncertain significance (2). 1 of the submissions does not count toward it. Last evaluated 2022-06-27.

Conditions:
Meckel-Gruber syndrome. Also called: Dysencephalia splachnocystica; DYSENCEPHALIA SPLANCHNOCYSTICA; GRUBER SYNDROME. Identifiers: Orphanet 564, MedGen C0265215, MONDO:0018921.
Joubert syndrome. Also called: Familial aplasia of the vermis; CEREBELLOPARENCHYMAL DISORDER IV; JOUBERT-BOLTSHAUSER SYNDROME. Identifiers: Orphanet 475, MedGen C5979921, MONDO:0018772.
Joubert syndrome 7 (JBTS7). Identifiers: Orphanet 220497, MedGen C1969053, MONDO:0012694, OMIM 611560.
COACH syndrome 3. Identifiers: MedGen C5436841, MONDO:0030862, OMIM 619113.
Meckel syndrome, type 5 (MKS5). Identifiers: Orphanet 564, MedGen C1969052, MONDO:0012695, OMIM 611561.

gnomAD v4.1: 1 of 1,613,938 alleles (0.000062%); no homozygotes.

Submissions (3):

Labcorp Genetics (formerly Invitae), Labcorp
Classification: Uncertain significance for Joubert syndrome; Meckel-Gruber syndrome. Last evaluated: 2022-06-27. Review status: criteria provided, single submitter. Criteria: Invitae Variant Classification Sherloc (09022015). Collection method: clinical testing. Allele origin: germline.
Comment: This sequence change replaces alanine, which is neutral and non-polar, with serine, which is neutral and polar, at codon 907 of the RPGRIP1L protein (p.Ala907Ser). This variant is not present in population databases (gnomAD no frequency). This variant has not been reported in the literature in individuals affected with RPGRIP1L-related conditions. ClinVar contains an entry for this variant (Variation ID: 948469). Algorithms developed to predict the effect of missense changes on protein structure and function (SIFT, PolyPhen-2, Align-GVGD) all suggest that this variant is likely to be tolerated. In summary, the available evidence is currently insufficient to determine the role of this variant in disease. Therefore, it has been classified as a Variant of Uncertain Significance.

Fulgent Genetics
Classification: Uncertain significance for Joubert syndrome 7; Meckel syndrome, type 5; COACH syndrome 3. Last evaluated: 2022-05-11. Review status: criteria provided, single submitter. Criteria: ACMG Guidelines, 2015. Collection method: clinical testing. Allele origin: unknown.

Natera, Inc.
Classification: Uncertain significance for Joubert syndrome. Last evaluated: 2021-05-07. Review status: no assertion criteria provided. Collection method: clinical testing. Allele origin: germline. Not counted in ClinVar's aggregate classification.